The following is an entry in ClinVar:

NM_000238.4(KCNH2):c.2690A>T (p.Lys897Met)

Gene: KCNH2 (potassium voltage-gated channel subfamily H member 2; minus strand). Cytogenetic location: 7q36.1.
Variant type: single nucleotide variant.
Coding change: c.2690A>T on transcript NM_000238.4 (MANE Select); coding-DNA position 2690, A replaced by T.
Protein change: p.Lys897Met; replaces lysine 897 with methionine.
Molecular consequence: missense variant.
Genome position (GRCh38, 1-based): chr7:150,948,446, T>A on the plus strand (A>T on the coding strand, the complement: KCNH2 is on the minus strand). VCF-style: chr7-150948446-T-A. GRCh37 (hg19) VCF-style: chr7-150645534-T-A.
Other names: p.K897M:AAG>ATG; c.1670A>T, p.Lys557Met (NM_172057.3); short protein forms K557M, K897M.
Identifiers: ClinVar variation 200480 (VCV000200480.15), dbSNP rs1805123, ClinGen allele CA007169.
Genomic context (GRCh38, chr7:150,948,446, plus strand): 5'-CCAGCTCCCAGCCTCACCTTGTCCCCGCCCTCCCCCTTCCTCCCCTCCCCCGCCTCACCC[T>A]TGTCCGTGCGCCTGCGGAAGGACAACTTGCGCTTGCGTTGCCGACTGAAGCCACCCTCTA-3'
Protein context (NP_000229.1, residues 887-907): RKLSFRRRTD[Lys897Met]DTEQPGEVSA

ClinVar aggregate classification (germline): Uncertain significance. Review status: criteria provided, multiple submitters, no conflicts (2 of 4 stars). 4 submissions from 4 submitters: Uncertain significance (4). Last evaluated 2023-03-23.

Conditions:
Cardiac arrhythmia. Also called: Cardiac rhythm disease; Arrhythmia. Identifiers: MedGen C0003811, MONDO:0007263, HP:0011675.
Long QT syndrome (LQTS). Identifiers: MedGen C0023976, MeSH D008133, MONDO:0002442. Disease mechanism: loss of function. Inheritance: Various modes of inheritance.

Submissions (4):

All of Us Research Program, National Institutes of Health
Classification: Uncertain significance for Long QT syndrome. Last evaluated: 2023-03-23. Review status: criteria provided, single submitter. Criteria: ACMG Guidelines, 2015. Collection method: clinical testing. Allele origin: germline. Inheritance: Autosomal dominant inheritance. Observed: 1 variant allele, 1 heterozygote.
Comment: Variant of Uncertain Significance due to insufficient evidence: This missense variant replaces lysine with methioin at codon 897 of the KCNH2 protein. Computational prediction tools and conservation analyses are inconclusive regarding the impact of this variant on the protein function. Computational splicing tools suggest that this variant may not impact RNA splicing. To our knowledge, functional assays have not been performed for this variant nor has this variant been reported in individuals affected with cardiovascular disorders in the literature. This variant is rare in the general population and has been identified in 0/277264 chromosomes by the Genome Aggregation Database (gnomAD). Available evidence is insufficient to determine the role of this variant in disease conclusively.

This study involves interpretation of variants in research participants for the purpose of population health screening. Participant phenotype was not available at the time of variant classification. Additional details can be found in publication PMID: 35346344, PMCID: PMC8962531

Color Diagnostics, LLC DBA Color Health
Classification: Uncertain significance for Cardiac arrhythmia. Last evaluated: 2023-02-16. Review status: criteria provided, single submitter. Criteria: ACMG Guidelines, 2015. Collection method: clinical testing. Allele origin: germline.
Comment: This missense variant replaces lysine with methionine at codon 897 of the KCNH2 protein. Computational prediction is inconclusive regarding the impact of this variant on protein structure and function (internally defined REVEL score threshold 0.5 < inconclusive < 0.7, PMID: 27666373). To our knowledge, functional studies have not been reported for this variant. This variant has not been reported in individuals affected with KCNH2-related disorders in the literature. This variant has not been identified in the general population by the Genome Aggregation Database (gnomAD). The available evidence is insufficient to determine the role of this variant in disease conclusively. Therefore, this variant is classified as a Variant of Uncertain Significance.

Labcorp Genetics (formerly Invitae), Labcorp
Classification: Uncertain significance for Long QT syndrome. Last evaluated: 2022-07-09. Review status: criteria provided, single submitter. Criteria: Invitae Variant Classification Sherloc (09022015). Collection method: clinical testing. Allele origin: germline.
Comment: This variant is not present in population databases (gnomAD no frequency). This variant has not been reported in the literature in individuals affected with KCNH2-related conditions. ClinVar contains an entry for this variant (Variation ID: 200480). Algorithms developed to predict the effect of missense changes on protein structure and function are either unavailable or do not agree on the potential impact of this missense change (SIFT: "Deleterious"; PolyPhen-2: "Benign"; Align-GVGD: "Class C0"). In summary, the available evidence is currently insufficient to determine the role of this variant in disease. Therefore, it has been classified as a Variant of Uncertain Significance. This sequence change replaces lysine, which is basic and polar, with methionine, which is neutral and non-polar, at codon 897 of the KCNH2 protein (p.Lys897Met).

GeneDx
Classification: Uncertain significance. Last evaluated: 2017-01-04. Review status: criteria provided, single submitter. Criteria: GeneDx Variant Classification (06012015). Collection method: clinical testing. Allele origin: germline. Affected: yes.
Comment: p.Lys897Met (AAG>ATG): c.2690 A>T in exon 11 of the KCNH2 (aka HERG) gene (NM_000238.2). The Lys897Met variant in the KCNH2 gene has not been reported as a disease-causing mutation or as a benign polymorphism to our knowledge. Lys897Met results in a non-conservative amino acid substitution of a positively charged Lysine with a non-polar Methionine at a position that is conserved across species. Mutations in nearby codons (Arg894Cys, Arg894Leu, Gly903Arg) have been reported in association with LQTS, supporting the functional importance of this region of the protein. Also, the NHLBI ESP Exome Variant Server reports Lys897Met was not observed in approximately 6,500 samples from individuals of European and African American backgrounds, indicating it is not a common benign variant in these populations. Nevertheless, another missense change at this codon (Lys897Thr) has been reported as a polymorphism. With the clinical and molecular information available at this time, we cannot definitively determine if Lys897Met is a disease-causing mutation or a rare benign variant. The variant is found in LQT panel(s).